The following is an entry in ClinVar:

NM_000553.6(WRN):c.973A>T (p.Thr325Ser)

Gene: WRN (WRN RecQ like helicase; plus strand). Cytogenetic location: 8p12.
Variant type: single nucleotide variant.
Coding change: c.973A>T on transcript NM_000553.6 (MANE Select); coding-DNA position 973, A replaced by T.
Protein change: p.Thr325Ser; replaces threonine 325 with serine.
Molecular consequence: missense variant.
Genome position (GRCh38, 1-based): chr8:31,081,000, A>T. VCF-style: chr8-31081000-A-T. GRCh37 (hg19) VCF-style: chr8-30938516-A-T.
Other names: short protein forms T325S.
Identifiers: ClinVar variation 1499331 (VCV001499331.6), dbSNP rs1585427688, ClinGen allele CA370920083.

ClinVar aggregate classification (germline): Uncertain significance (1 of 4 stars; one submission).

Conditions:
Werner syndrome (WRN). Identifiers: Orphanet 902, MedGen C0043119, MONDO:0010196, OMIM 277700.

Submission:

Labcorp Genetics (formerly Invitae), Labcorp
Classification: Uncertain significance for Werner syndrome. Last evaluated: 2024-11-13. Review status: criteria provided, single submitter. Criteria: Invitae Variant Classification Sherloc (09022015). Collection method: clinical testing. Allele origin: germline.
Comment: This sequence change replaces threonine, which is neutral and polar, with serine, which is neutral and polar, at codon 325 of the WRN protein (p.Thr325Ser). This variant is not present in population databases (gnomAD no frequency). This variant has not been reported in the literature in individuals affected with WRN-related conditions. ClinVar contains an entry for this variant (Variation ID: 1499331). An algorithm developed to predict the effect of missense changes on protein structure and function outputs the following: PolyPhen-2: "Benign". The serine amino acid residue is found in multiple mammalian species, which suggests that this missense change does not adversely affect protein function. In summary, the available evidence is currently insufficient to determine the role of this variant in disease. Therefore, it has been classified as a Variant of Uncertain Significance.